The following is an entry in ClinVar:

ClinVar aggregate classification (germline): Uncertain significance (1 of 4 stars; one submission).

gnomAD v4.1: 3 of 1,605,868 alleles (0.00019%); highest among the groups gnomAD compares: South Asian, 0.0034%; no homozygotes.

Submission:

GeneDx
Classification: Uncertain significance. Last evaluated: 2026-04-24. Review status: criteria provided, single submitter. Criteria: GeneDx Variant Classification Process June 2021. Collection method: clinical testing. Allele origin: germline.
Comment: In silico analysis supports that this missense variant has a deleterious effect on protein structure/function; Has not been previously published as pathogenic or benign to our knowledge

NM_002860.4(ALDH18A1):c.1471G>A (p.Ala491Thr)

Gene: ALDH18A1 (aldehyde dehydrogenase 18 family member A1; minus strand). Cytogenetic location: 10q24.1.
Variant type: single nucleotide variant.
Coding change: c.1471G>A on transcript NM_002860.4 (MANE Select); coding-DNA position 1471, G replaced by A.
Protein change: p.Ala491Thr; replaces alanine 491 with threonine.
Molecular consequence: missense variant.
Genome position (GRCh38, 1-based): chr10:95,616,611, C>T on the plus strand (G>A on the coding strand, the complement: ALDH18A1 is on the minus strand). VCF-style: chr10-95616611-C-T. GRCh37 (hg19) VCF-style: chr10-97376368-C-T.
Other names: c.1132G>A, p.Ala378Thr (NM_001323418.2); c.835G>A, p.Ala279Thr (NM_001323419.2); c.1465G>A, p.Ala489Thr (NM_001017423.2, NM_001323415.2); c.1138G>A, p.Ala380Thr (NM_001323412.2, NM_001323416.2); c.1471G>A, p.Ala491Thr (NM_001323413.2, NM_001323414.2); c.1366G>A, p.Ala456Thr (NM_001323417.2); short protein forms A279T, A378T, A380T, A456T, A489T, A491T.
Identifiers: ClinVar variation 5037618 (VCV005037618.1).